The following is an entry in ClinVar:

ClinVar aggregate classification (germline): Uncertain significance (1 of 4 stars; one submission).

Conditions:
Inborn genetic diseases. Identifiers: MedGen C0950123, MeSH D030342.

Submission:

Ambry Genetics
Classification: Uncertain significance for Inborn genetic diseases. Last evaluated: 2026-04-22. Review status: criteria provided, single submitter. Criteria: Ambry Variant Classification Scheme 2023. Collection method: clinical testing. Allele origin: germline.
Comment: The p.N369K variant (also known as c.1107T>A), located in coding exon 1 of the SAMD9L gene, results from a T to A substitution at nucleotide position 1107. The asparagine at codon 369 is replaced by lysine, an amino acid with similar properties. This amino acid position is conserved. In addition, this alteration is predicted to be tolerated by in silico analysis. Based on the available evidence, the clinical significance of this variant remains unclear.

NM_152703.5(SAMD9L):c.1107T>A (p.Asn369Lys)

Gene: SAMD9L (sterile alpha motif domain containing 9 like; minus strand). Cytogenetic location: 7q21.2.
Variant type: single nucleotide variant.
Coding change: c.1107T>A on transcript NM_152703.5 (MANE Select); coding-DNA position 1107, T replaced by A.
Protein change: p.Asn369Lys; replaces asparagine 369 with lysine.
Molecular consequence: missense variant.
Genome position (GRCh38, 1-based): chr7:93,134,865, A>T on the plus strand (T>A on the coding strand, the complement: SAMD9L is on the minus strand). VCF-style: chr7-93134865-A-T. GRCh37 (hg19) VCF-style: chr7-92764178-A-T.
Other names: c.1107T>A, p.Asn369Lys (NM_001303496.3, NM_001303497.3, NM_001303498.3 and 5 more transcripts); short protein forms N369K.
Identifiers: ClinVar variation 4863957 (VCV004863957.1).